The following is an entry in ClinVar:

ClinVar aggregate classification (germline): Benign. Review status: criteria provided, multiple submitters, no conflicts (2 of 4 stars). 3 submissions from 3 submitters: Benign (3). Last evaluated 2026-01-26.

Conditions:
Hyperphosphatasemia with bone disease (PDB5). Also called: HYPEROSTOSIS CORTICALIS DEFORMANS JUVENILIS; HYPERPHOSPHATASEMIA, CHRONIC CONGENITAL IDIOPATHIC; HYPERPHOSPHATASIA, FAMILIAL IDIOPATHIC; PAGET DISEASE OF BONE 5, JUVENILE-ONSET; Paget disease of bone 5; Osteoectasia familial. Identifiers: Orphanet 2801, MedGen C0268414, MONDO:0009394, OMIM 239000.

Allele frequency attached by ClinVar (database versions not stated): gnomAD exomes 0.00222 and 0.00575; ExAC 0.00708; gnomAD 0.02288 and 0.02453; 1000 Genomes Project 0.02476; 1000 Genomes Project 30x 0.02483; TOPMed 0.02512; ESP Exome Variant Server 0.02645.
gnomAD v4.1: 6,874 of 1,614,106 alleles (0.43%); highest among the groups gnomAD compares: African/African-American, 7.9%; 260 homozygotes.

Submissions (3):

Labcorp Genetics (formerly Invitae), Labcorp
Classification: Benign. Last evaluated: 2026-01-26. Review status: criteria provided, single submitter. Criteria: Invitae Variant Classification Sherloc (09022015). Collection method: clinical testing. Allele origin: germline.

Illumina Laboratory Services, Illumina
Classification: Benign for Hyperphosphatasemia with bone disease. Last evaluated: 2018-01-13. Review status: criteria provided, single submitter. Criteria: ICSL Variant Classification Criteria 13 December 2019. Collection method: clinical testing. Allele origin: germline.
Comment: This variant was observed in the ICSL laboratory as part of a predisposition screen in an ostensibly healthy population. It had not been previously curated by ICSL or reported in the Human Gene Mutation Database (HGMD: prior to June 1st, 2018), and was therefore a candidate for classification through an automated scoring system. Utilizing variant allele frequency, disease prevalence and penetrance estimates, and inheritance mode, an automated score was calculated to assess if this variant is too frequent to cause the disease. Based on the score and internal cut-off values, a variant classified as benign is not then subjected to further curation. The score for this variant resulted in a classification of benign for this disease.

Breakthrough Genomics
Classification: Benign. Review status: criteria provided, single submitter. Criteria: ACMG Guidelines, 2015. Collection method: not provided. Allele origin: germline. Inheritance: Autosomal recessive inheritance. Affected: yes.

NM_002546.4(TNFRSF11B):c.714G>A (p.Glu238=)

Gene: TNFRSF11B (TNF receptor superfamily member 11b; minus strand). Cytogenetic location: 8q24.12.
Variant type: single nucleotide variant.
Coding change: c.714G>A on transcript NM_002546.4 (MANE Select); coding-DNA position 714, G replaced by A.
Protein change: p.Glu238=; no amino-acid change (glutamic acid 238 retained).
Molecular consequence: synonymous variant.
Genome position (GRCh38, 1-based): chr8:118,926,597, C>T on the plus strand (G>A on the coding strand, the complement: TNFRSF11B is on the minus strand). VCF-style: chr8-118926597-C-T. GRCh37 (hg19) VCF-style: chr8-119938836-C-T.
Identifiers: ClinVar variation 361689 (VCV000361689.15), dbSNP rs11573930, ClinGen allele CA4854843.